The following is an entry in ClinVar:

ClinVar aggregate classification (germline): Uncertain significance. Review status: criteria provided, multiple submitters, no conflicts (2 of 4 stars). 2 submissions from 2 submitters: Uncertain significance (2). Last evaluated 2025-06-18.

Conditions:
Inborn genetic diseases. Identifiers: MedGen C0950123, MeSH D030342.
KBG syndrome (KBGS). Also called: ANKRD11-Related KBG Syndrome. Identifiers: Orphanet 2332, MedGen C0220687, MONDO:0007846, OMIM 148050.

Submissions (2):

Ambry Genetics
Classification: Uncertain significance for Inborn genetic diseases. Last evaluated: 2025-06-18. Review status: criteria provided, single submitter. Criteria: Ambry Variant Classification Scheme 2023. Collection method: clinical testing. Allele origin: germline.

Labcorp Genetics (formerly Invitae), Labcorp
Classification: Uncertain significance for KBG syndrome. Last evaluated: 2022-06-30. Review status: criteria provided, single submitter. Criteria: Invitae Variant Classification Sherloc (09022015). Collection method: clinical testing. Allele origin: germline.
Comment: This variant has not been reported in the literature in individuals affected with ANKRD11-related conditions. In summary, the available evidence is currently insufficient to determine the role of this variant in disease. Therefore, it has been classified as a Variant of Uncertain Significance. Advanced modeling of protein sequence and biophysical properties (such as structural, functional, and spatial information, amino acid conservation, physicochemical variation, residue mobility, and thermodynamic stability) performed at Invitae indicates that this missense variant is not expected to disrupt ANKRD11 protein function. This variant is not present in population databases (gnomAD no frequency). This sequence change replaces lysine, which is basic and polar, with arginine, which is basic and polar, at codon 1430 of the ANKRD11 protein (p.Lys1430Arg).

NM_013275.6(ANKRD11):c.4289A>G (p.Lys1430Arg)

Gene: ANKRD11 (ankyrin repeat domain 11; minus strand). Cytogenetic location: 16q24.3.
Variant type: single nucleotide variant.
Coding change: c.4289A>G on transcript NM_013275.6 (MANE Select); coding-DNA position 4289, A replaced by G.
Protein change: p.Lys1430Arg; replaces lysine 1430 with arginine.
Molecular consequence: missense variant.
Genome position (GRCh38, 1-based): chr16:89,282,253, T>C on the plus strand (A>G on the coding strand, the complement: ANKRD11 is on the minus strand). VCF-style: chr16-89282253-T-C. GRCh37 (hg19) VCF-style: chr16-89348661-T-C.
Other names: c.4289A>G, p.Lys1430Arg (NM_001256182.2, NM_001256183.2); c.4289A>G (NM_013275.4); short protein forms K1430R.
Identifiers: ClinVar variation 2004890 (VCV002004890.5), dbSNP rs2544233502, ClinGen allele CA397157900.